The following is an entry in ClinVar:

NM_001371194.2(SEMA4D):c.253-3C>T

Gene: SEMA4D (semaphorin 4D; minus strand). Cytogenetic location: 9q22.2.
Variant type: single nucleotide variant.
Coding change: c.253-3C>T on transcript NM_001371194.2 (MANE Select); 3 bases into the intron before coding-DNA position 253, C replaced by T.
Molecular consequence: intron variant.
Genome position (GRCh38, 1-based): chr9:89,399,341, G>A on the plus strand (C>T on the coding strand, the complement: SEMA4D is on the minus strand). VCF-style: chr9-89399341-G-A. GRCh37 (hg19) VCF-style: chr9-92014256-G-A.
Other names: c.253-3C>T (NM_001371198.1, NM_001371201.1, NM_001371202.1 and 7 more transcripts).
Identifiers: ClinVar variation 3046589 (VCV003046589.2), dbSNP rs374328845, ClinGen allele CA5118759.

ClinVar aggregate classification (germline): Likely benign (0 of 4 stars; one submission).

Conditions:
SEMA4D-related disorder. Also called: SEMA4D-related condition.

Allele frequency attached by ClinVar (database versions not stated): TOPMed 0.00004; ESP Exome Variant Server 0.00015; gnomAD exomes 0.00020; ExAC 0.00031; gnomAD 0.00044.
gnomAD v4.1: 368 of 1,607,352 alleles (0.023%); highest among the groups gnomAD compares: Non-Finnish European, 0.01%; 1 homozygote.

Submission:

PreventionGenetics, part of Exact Sciences
Classification: Likely benign for SEMA4D-related condition. Last evaluated: 2020-07-01. Review status: no assertion criteria provided. Collection method: clinical testing. Allele origin: germline.
Comment: This variant is classified as likely benign based on ACMG/AMP sequence variant interpretation guidelines (Richards et al. 2015 PMID: 25741868, with internal and published modifications).